The following is an entry in ClinVar:

NM_024675.4(PALB2):c.2480_2481del (p.Thr827fs)

Gene: PALB2 (partner and localizer of BRCA2; minus strand). Cytogenetic location: 16p12.2.
Variant type: Microsatellite.
Coding change: c.2480_2481del on transcript NM_024675.4 (MANE Select); coding-DNA positions 2480 to 2481, 2 bases deleted (CA; older notation c.2480_2481delCA).
Protein change: p.Thr827fs; shifts the reading frame from threonine 827.
Molecular consequence: frameshift variant.
Genome position (GRCh38, 1-based): chr16:23,629,673-23,629,674, TG deleted on the plus strand (CA on the coding strand, the reverse complement: PALB2 is on the minus strand); deleting any 2 consecutive bases within chr16:23,629,673-23,629,677 gives the same sequence; the c. name uses the placement nearest the transcript's 3' end. VCF-style (leftmost placement, unchanged base first): chr16-23629672-ATG-A. GRCh37 (hg19) VCF-style: chr16-23640993-ATG-A.
Other names: c.2480_2481delCA (NM_024675.3); short protein forms T827fs.
Identifiers: ClinVar variation 430595 (VCV000430595.30), dbSNP rs1555460315, ClinGen allele CA645509221.

ClinVar aggregate classification (germline): Pathogenic. Review status: criteria provided, multiple submitters, no conflicts (2 of 4 stars). 7 submissions from 7 submitters: Pathogenic (5). 2 of the submissions do not count toward it. Last evaluated 2023-12-13.

Conditions:
Gastric cancer. Also called: Malignant tumor of stomach; Stomach cancer. Identifiers: MedGen C0024623, MeSH D013274, MONDO:0001056, OMIM 613659, HP:0012126.
Hereditary cancer-predisposing syndrome. Also called: Neoplastic Syndromes, Hereditary; Hereditary Cancer Syndrome; Hereditary neoplastic syndrome; Tumor predisposition. Identifiers: Orphanet 140162, MedGen C0027672, MeSH D009386, MONDO:0015356.
Breast neoplasm. Also called: Breast Neoplasms; Neoplasm of the breast; Neoplasm of breast; Breast tumor. Identifiers: MedGen C1458155, MeSH D001943, MONDO:0021100, HP:0100013. Disease mechanism: gain of function.
Familial cancer of breast. Also called: hereditary breast carcinoma; BREAST CANCER, FAMILIAL; Hereditary breast cancer. Identifiers: Orphanet 227535, MedGen C0346153, MONDO:0016419, OMIM 114480. Disease mechanism: loss of function.

Submissions (7):

Labcorp Genetics (formerly Invitae), Labcorp
Classification: Pathogenic for Familial cancer of breast. Last evaluated: 2023-12-13. Review status: criteria provided, single submitter. Criteria: Invitae Variant Classification Sherloc (09022015). Collection method: clinical testing. Allele origin: germline.
Comment: This sequence change creates a premature translational stop signal (p.Thr827Metfs*6) in the PALB2 gene. It is expected to result in an absent or disrupted protein product. Loss-of-function variants in PALB2 are known to be pathogenic (PMID: 17200668, 17200671, 17200672, 24136930, 25099575). This variant is not present in population databases (gnomAD no frequency). This premature translational stop signal has been observed in individual(s) with a personal and/or family history of breast and/or ovarian cancer (PMID: 29566657). ClinVar contains an entry for this variant (Variation ID: 430595). For these reasons, this variant has been classified as Pathogenic.

Myriad Genetics, Inc.
Classification: Pathogenic for Familial cancer of breast. Last evaluated: 2023-09-12. Review status: criteria provided, single submitter. Criteria: Myriad Autosomal Dominant, Autosomal Recessive and X-Linked Classification Criteria (2023). Collection method: clinical testing. Allele origin: unknown.
Comment: This variant is considered pathogenic. This variant creates a frameshift predicted to result in premature protein truncation.

Ambry Genetics
Classification: Pathogenic for Hereditary cancer-predisposing syndrome. Last evaluated: 2019-07-31. Review status: criteria provided, single submitter. Criteria: Ambry Variant Classification Scheme 2023. Collection method: clinical testing. Allele origin: germline.
Comment: The c.2480_2481delCA pathogenic mutation, located in coding exon 5 of the PALB2 gene, results from a deletion of two nucleotides at nucleotide positions 2480 to 2481, causing a translational frameshift with a predicted alternate stop codon (p.T827Mfs*6). This alteration has been previously reported as a germline mutation in a cohort of 480 individuals from Taiwan with a personal and/or family history of breast and/or ovarian cancer (Wang YA et al. BMC Cancer, 2018 03;18:315). This alteration as also been reported with a carrier frequency of 0.0001 in a cohort of 12,490 male controls of Japanese ancestry (Momozawa Y et al. Nat Commun, 2018 10;9:4083). In addition to the clinical data presented in the literature, this alteration is expected to result in loss of function by premature protein truncation or nonsense-mediated mRNA decay. As such, this alteration is interpreted as a disease-causing mutation.

GeneDx
Classification: Pathogenic. Last evaluated: 2018-05-15. Review status: criteria provided, single submitter. Criteria: GeneDx Variant Classification (06012015). Collection method: clinical testing. Allele origin: germline. Affected: yes.
Comment: This deletion of two nucleotides in PALB2 is denoted c.2480_2481delCA at the cDNA level and p.Thr827MetfsX6 (T827MfsX6) at the protein level. The normal sequence, with the bases that are deleted in brackets, is AACA[delCA]TGCC. The deletion causes a frameshift which changes a Threonine to a Methionine at codon 827, and creates a premature stop codon at position 6 of the new reading frame. This variant is predicted to cause loss of normal protein function through either protein truncation or nonsense-mediated mRNA decay. PALB2 c.2480_2481delCA has been observed in at least one individual with breast cancer (Wang 2018). We consider this variant to be pathogenic.

Yang An-Suei Laboratory, Academia Sinica
Classification: Pathogenic for breast cancer. Review status: criteria provided, single submitter. Criteria: Submitter's publication. Collection method: clinical testing. Allele origin: germline. Affected: yes.

Laboratory for Genotyping Development, RIKEN
Classification: Pathogenic for Gastric cancer. Last evaluated: 2021-07-01. Review status: no assertion criteria provided. Collection method: research. Allele origin: germline. Not counted in ClinVar's aggregate classification.

Leiden Open Variation Database
Classification: Pathogenic. Last evaluated: 2018-08-25. Review status: no assertion criteria provided. Collection method: curation. Allele origin: germline. Affected: yes. Not counted in ClinVar's aggregate classification.
Comment: Curators: Marc Tischkowitz, Arleen D. Auerbach. Submitter to LOVD: Yukihide Momozawa.

Literature cited by the submitters: PubMed 17200668 (cited by Labcorp Genetics (formerly Invitae), Labcorp); PubMed 17200671 (cited by Labcorp Genetics (formerly Invitae), Labcorp); PubMed 17200672 (cited by Labcorp Genetics (formerly Invitae), Labcorp); PubMed 24136930 (cited by Labcorp Genetics (formerly Invitae), Labcorp); PubMed 25099575 (cited by Labcorp Genetics (formerly Invitae), Labcorp); PubMed 29566657 (cited by Labcorp Genetics (formerly Invitae), Labcorp and Ambry Genetics); PubMed 30287823 (cited by Ambry Genetics and Leiden Open Variation Database); PubMed 36988593 (cited by Laboratory for Genotyping Development, RIKEN).